The following is an entry in ClinVar:

ClinVar aggregate classification (germline): Uncertain significance (1 of 4 stars; one submission).

gnomAD v4.1: 4 of 1,203,032 alleles (0.00033%); highest among the groups gnomAD compares: African/African-American, 0.007%; no homozygotes.

Submission:

GeneDx
Classification: Uncertain significance. Last evaluated: 2023-06-08. Review status: criteria provided, single submitter. Criteria: GeneDx Variant Classification Process June 2021. Collection method: clinical testing. Allele origin: germline. Affected: yes.
Comment: Not observed at significant frequency in large population cohorts (gnomAD); In silico analysis supports that this missense variant does not alter protein structure/function; Has not been previously published as pathogenic or benign to our knowledge

NM_153252.5(BRWD3):c.4406G>A (p.Gly1469Glu)

Gene: BRWD3 (bromodomain and WD repeat domain containing 3; minus strand). Cytogenetic location: Xq21.1.
Variant type: single nucleotide variant.
Coding change: c.4406G>A on transcript NM_153252.5 (MANE Select); coding-DNA position 4406, G replaced by A.
Protein change: p.Gly1469Glu; replaces glycine 1469 with glutamic acid.
Molecular consequence: missense variant.
Genome position (GRCh38, 1-based): chrX:80,682,086, C>T on the plus strand (G>A on the coding strand, the complement: BRWD3 is on the minus strand). VCF-style: chrX-80682086-C-T. GRCh37 (hg19) VCF-style: chrX-79937585-C-T.
Other names: short protein forms G1469E.
Identifiers: ClinVar variation 3359295 (VCV003359295.1).